The following is an entry in ClinVar:

NM_005876.5(SPEG):c.8257C>T (p.Arg2753Cys)

Genes: ASIC4-AS1 (ASIC4 antisense RNA 1; minus strand), SPEG (striated muscle enriched protein kinase; plus strand). Cytogenetic location: 2q35.
Variant type: single nucleotide variant.
Coding change: c.8257C>T on transcript NM_005876.5 (MANE Select); coding-DNA position 8257, C replaced by T.
Protein change: p.Arg2753Cys; replaces arginine 2753 with cysteine.
Molecular consequence: missense variant.
Genome position (GRCh38, 1-based): chr2:219,489,161, C>T. VCF-style: chr2-219489161-C-T. GRCh37 (hg19) VCF-style: chr2-220353883-C-T.
Other names: short protein forms R2753C.
Identifiers: ClinVar variation 2989282 (VCV002989282.3), dbSNP rs895244429, ClinGen allele CA65996949.

ClinVar aggregate classification (germline): Uncertain significance (1 of 4 stars; one submission).

Allele frequency attached by ClinVar (database versions not stated): gnomAD exomes below 0.00001; gnomAD 0.00001.
gnomAD v4.1: 7 of 1,613,882 alleles (0.00043%); highest among the groups gnomAD compares: African/African-American, 0.0027%; no homozygotes.

Submission:

Labcorp Genetics (formerly Invitae), Labcorp
Classification: Uncertain significance. Last evaluated: 2023-05-12. Review status: criteria provided, single submitter. Criteria: Invitae Variant Classification Sherloc (09022015). Collection method: clinical testing. Allele origin: germline.
Comment: In summary, the available evidence is currently insufficient to determine the role of this variant in disease. Therefore, it has been classified as a Variant of Uncertain Significance. An algorithm developed to predict the effect of missense changes on protein structure and function (PolyPhen-2) suggests that this variant is likely to be disruptive. This variant has not been reported in the literature in individuals affected with SPEG-related conditions. This variant is not present in population databases (gnomAD no frequency). This sequence change replaces arginine, which is basic and polar, with cysteine, which is neutral and slightly polar, at codon 2753 of the SPEG protein (p.Arg2753Cys).